The following is an entry in ClinVar:

ClinVar aggregate classification (germline): Uncertain significance. Review status: criteria provided, single submitter (1 of 4 stars). 2 submissions from 2 submitters: Uncertain significance (1). 1 of the submissions does not count toward it. Last evaluated 2024-04-08.

Conditions:
PKD1-related disorder. Also called: PKD1-related condition.
Polycystic kidney disease, adult type (PKD1). Also called: Polycystic Kidney, Autosomal Dominant; POLYCYSTIC KIDNEY DISEASE 1 WITH OR WITHOUT POLYCYSTIC LIVER DISEASE; POLYCYSTIC KIDNEY DISEASE, ADULT, TYPE I; Polycystic Kidney Disease 1, Autosomal Dominant; Polycystic kidney disease 1; Polycystic kidney disease 1, severe. Identifiers: MedGen C3149841, MONDO:0008263, OMIM 173900.

Submissions (2):

Fulgent Genetics
Classification: Uncertain significance for Polycystic kidney disease, adult type. Last evaluated: 2024-04-08. Review status: criteria provided, single submitter. Criteria: ACMG Guidelines, 2015. Collection method: clinical testing. Allele origin: germline.

PreventionGenetics, part of Exact Sciences
Classification: Uncertain significance for PKD1-related condition. Last evaluated: 2024-04-12. Review status: no assertion criteria provided. Collection method: clinical testing. Allele origin: germline. Not counted in ClinVar's aggregate classification.
Comment: The PKD1 c.1832G>A variant is predicted to result in the amino acid substitution p.Arg611Gln. To our knowledge, this variant has not been reported in the literature or in a large population database, indicating this variant is rare. Of note, a different substitution at the same codon, defined as c.1831C>T (p.Arg611Trp), has been reported to be pathogenic for autosomal dominant polycystic kidney disease (ADPKD) (see for example, Benson et al. 2021. PubMed ID: 33454723, Suppl. Table 3; Trujillano et al. 2014. PubMed ID: 25333066; Garcia-Gonzalez et al. 2007. PubMed ID: 17574468; Audrézet et al. 2012. PubMed ID: 22508176; internal data, PreventionGenetics). In addition, another different substitution at the same codon, defined as c.1832G>C (p.Arg611Pro), has been reported in an individual with ADPKD as a variant of uncertain significance (VUS) (Mantovani et al. 2020. PubMed ID: 32457805, Supplementary Table 3). Although we suspect that the c.1832G>A (p.Arg611Gln) variant is also pathogenic, at this time, the clinical significance of this variant is uncertain due to the absence of conclusive functional and genetic evidence.

NM_001009944.3(PKD1):c.1832G>A (p.Arg611Gln)

Gene: PKD1 (polycystin 1, transient receptor potential channel interacting; minus strand). Cytogenetic location: 16p13.3.
Variant type: single nucleotide variant.
Coding change: c.1832G>A on transcript NM_001009944.3 (MANE Select); coding-DNA position 1832, G replaced by A.
Protein change: p.Arg611Gln; replaces arginine 611 with glutamine.
Molecular consequence: missense variant.
Genome position (GRCh38, 1-based): chr16:2,116,009, C>T on the plus strand (G>A on the coding strand, the complement: PKD1 is on the minus strand). VCF-style: chr16-2116009-C-T. GRCh37 (hg19) VCF-style: chr16-2166010-C-T.
Other names: c.1832G>A, p.Arg611Gln (NM_000296.4); short protein forms R611Q.
Identifiers: ClinVar variation 3356047 (VCV003356047.2).